The following is an entry in ClinVar:

ClinVar aggregate classification (germline): Uncertain significance (1 of 4 stars; one submission).

gnomAD v4.1: 32 of 1,597,518 alleles (0.002%); highest among the groups gnomAD compares: Admixed American, 0.017%; no homozygotes.

Submission:

GeneDx
Classification: Uncertain significance. Last evaluated: 2024-04-05. Review status: criteria provided, single submitter. Criteria: GeneDx Variant Classification Process June 2021. Collection method: clinical testing. Allele origin: germline. Affected: yes.
Comment: Previously observed in the homozygous state, with the L409F variant in cis, in affected members of a family with acid-labile subunit deficiency (ACLSD) (PMID: 28445628); The A475V and L409F variants were observed in cis, in the compound heterozygous state with another IGFALS variant in affected members of a family with acid-labile subunit deficiency (ACLSD) (PMID: 27018247); In silico analysis indicates that this missense variant does not alter protein structure/function; This variant is associated with the following publications: (PMID: 28445628, 27018247)

NM_004970.3(IGFALS):c.1424C>T (p.Ala475Val)

Gene: IGFALS (insulin like growth factor binding protein acid labile subunit; minus strand). Cytogenetic location: 16p13.3.
Variant type: single nucleotide variant.
Coding change: c.1424C>T on transcript NM_004970.3 (MANE Select); coding-DNA position 1424, C replaced by T.
Protein change: p.Ala475Val; replaces alanine 475 with valine.
Molecular consequence: missense variant. On other transcripts: non-coding transcript variant (1).
Genome position (GRCh38, 1-based): chr16:1,790,994, G>A on the plus strand (C>T on the coding strand, the complement: IGFALS is on the minus strand). VCF-style: chr16-1790994-G-A. GRCh37 (hg19) VCF-style: chr16-1840995-G-A.
Other names: c.1538C>T, p.Ala513Val (NM_001146006.2); short protein forms A475V, A513V.
Identifiers: ClinVar variation 3372131 (VCV003372131.1).